The following is an entry in ClinVar:

NM_020632.3(ATP6V0A4):c.834G>C (p.Glu278Asp)

Gene: ATP6V0A4 (ATPase H+ transporting V0 subunit a4; minus strand). Cytogenetic location: 7q34.
Variant type: single nucleotide variant.
Coding change: c.834G>C on transcript NM_020632.3 (MANE Select); coding-DNA position 834, G replaced by C.
Protein change: p.Glu278Asp; replaces glutamic acid 278 with aspartic acid.
Molecular consequence: missense variant.
Genome position (GRCh38, 1-based): chr7:138,752,820, C>G on the plus strand (G>C on the coding strand, the complement: ATP6V0A4 is on the minus strand). VCF-style: chr7-138752820-C-G. GRCh37 (hg19) VCF-style: chr7-138437565-C-G.
Other names: c.834G>C, p.Glu278Asp (NM_130840.3, NM_130841.3); short protein forms E278D.
Identifiers: ClinVar variation 909532 (VCV000909532.11), dbSNP rs767146505, ClinGen allele CA4504965.

ClinVar aggregate classification (germline): Uncertain significance. Review status: criteria provided, multiple submitters, no conflicts (2 of 4 stars). 5 submissions from 5 submitters: Uncertain significance (5). Last evaluated 2024-12-23.

Conditions:
Inborn genetic diseases. Identifiers: MedGen C0950123, MeSH D030342.
Renal tubular acidosis, distal, 3, with or without sensorineural hearing loss (DRTA3). Identifiers: MedGen C5399980, MONDO:0011268, OMIM 602722.
Autosomal recessive distal renal tubular acidosis. Identifiers: Orphanet 402041, MedGen C1864498, MONDO:0018440.

Allele frequency attached by ClinVar (database versions not stated): ExAC 0.00007; gnomAD exomes 0.00008 and 0.00010; TOPMed 0.00008; gnomAD 0.00009.
gnomAD v4.1: 157 of 1,613,984 alleles (0.0097%); highest among the groups gnomAD compares: Admixed American, 0.032%; no homozygotes.

Submissions (5):

Ambry Genetics
Classification: Uncertain significance for Inborn genetic diseases. Last evaluated: 2024-12-23. Review status: criteria provided, single submitter. Criteria: Ambry Variant Classification Scheme 2023. Collection method: clinical testing. Allele origin: germline.

Labcorp Genetics (formerly Invitae), Labcorp
Classification: Uncertain significance. Last evaluated: 2024-12-23. Review status: criteria provided, single submitter. Criteria: Invitae Variant Classification Sherloc (09022015). Collection method: clinical testing. Allele origin: germline.
Comment: This sequence change replaces glutamic acid, which is acidic and polar, with aspartic acid, which is acidic and polar, at codon 278 of the ATP6V0A4 protein (p.Glu278Asp). This variant is present in population databases (rs767146505, gnomAD 0.03%). This variant has not been reported in the literature in individuals affected with ATP6V0A4-related conditions. ClinVar contains an entry for this variant (Variation ID: 909532). Invitae Evidence Modeling of protein sequence and biophysical properties (such as structural, functional, and spatial information, amino acid conservation, physicochemical variation, residue mobility, and thermodynamic stability) indicates that this missense variant is not expected to disrupt ATP6V0A4 protein function with a negative predictive value of 80%. In summary, the available evidence is currently insufficient to determine the role of this variant in disease. Therefore, it has been classified as a Variant of Uncertain Significance.

Blueprint Genetics
Classification: Uncertain significance. Last evaluated: 2024-02-29. Review status: criteria provided, single submitter. Criteria: ACMG Guidelines, 2015. Collection method: clinical testing. Allele origin: germline.

Fulgent Genetics
Classification: Uncertain significance for Renal tubular acidosis, distal, 3, with or without sensorineural hearing loss. Last evaluated: 2024-01-24. Review status: criteria provided, single submitter. Criteria: ACMG Guidelines, 2015. Collection method: clinical testing. Allele origin: germline.

Illumina Laboratory Services, Illumina
Classification: Uncertain significance for Renal tubular acidosis, distal, 3, with or without sensorineural hearing loss. Last evaluated: 2018-01-13. Review status: criteria provided, single submitter. Criteria: ICSL Variant Classification Criteria 13 December 2019. Collection method: clinical testing. Allele origin: germline.